The following is an entry in ClinVar:

ClinVar aggregate classification (germline): Pathogenic/Likely pathogenic. Review status: criteria provided, multiple submitters, no conflicts (2 of 4 stars). 20 submissions from 20 submitters: Pathogenic (16); Likely pathogenic (2). 2 of the submissions do not count toward it. Last evaluated 2026-07-01.

Conditions:
PAH-related disorder. Also called: PAH-related condition.
Hyperphenylalaninemia. Also called: Hyperphenylalaninaemia; Hyperphenylalaninemia (HPA); Hyperphenylalaninemia, non-pku. Identifiers: MedGen C0751435, HP:0004923.
Phenylketonuria (PKU). Also called: Phenylketonuria (PKU); OLIGOPHRENIA PHENYLPYRUVICA; Phenylketonurias; FOLLING DISEASE. Identifiers: Orphanet 716, MedGen C0031485, MONDO:0009861, OMIM 261600. Disease mechanism: loss of function.

Allele frequency attached by ClinVar (database versions not stated): TOPMed 0.00023; gnomAD exomes 0.00008 and 0.00017; gnomAD 0.00020 and 0.00023; ExAC 0.00009.
gnomAD v4.1: 154 of 1,605,064 alleles (0.0096%); highest among the groups gnomAD compares: Admixed American, 0.098%; no homozygotes.

Submissions 1 to 14 of 20:

CeGaT Center for Human Genetics Tuebingen
Classification: Pathogenic. Last evaluated: 2026-07-01. Review status: criteria provided, single submitter. Criteria: CeGaT Center For Human Genetics Tuebingen Variant Classification Criteria Version 2. Collection method: clinical testing. Allele origin: germline. Affected: yes. Observed: 4 variant alleles.
Comment: PAH: PM3:Very Strong, PM2, PP4:Moderate, PS3:Supporting

Labcorp Genetics (formerly Invitae), Labcorp
Classification: Pathogenic for Phenylketonuria. Last evaluated: 2026-01-18. Review status: criteria provided, single submitter. Criteria: Invitae Variant Classification Sherloc (09022015). Collection method: clinical testing. Allele origin: germline.
Comment: This sequence change replaces phenylalanine, which is neutral and non-polar, with leucine, which is neutral and non-polar, at codon 55 of the PAH protein (p.Phe55Leu). This variant is present in population databases (rs199475598, gnomAD 0.09%). This missense change has been observed in individual(s) with hyperphenylalaninemia or phenylketonuria (PMID: 9298832, 9521426, 10598814, 12501224, 18299955, 23932990). ClinVar contains an entry for this variant (Variation ID: 92734). Invitae Evidence Modeling of protein sequence and biophysical properties (such as structural, functional, and spatial information, amino acid conservation, physicochemical variation, residue mobility, and thermodynamic stability) indicates that this missense variant is not expected to disrupt PAH protein function with a negative predictive value of 80%. Experimental studies have shown that this missense change affects PAH function (PMID: 18538294). For these reasons, this variant has been classified as Pathogenic.

Natera, Inc.
Classification: Pathogenic for Phenylketonuria. Last evaluated: 2025-12-08. Review status: criteria provided, single submitter. Criteria: Natera Variant Classification Schema (03/2026). Collection method: clinical testing. Allele origin: germline.
Comment: The c.165T>G variant in PAH is a missense variant predicted to cause substitution of phenylalanine to leucine at amino acid 55. This variant is rare in the general population with a frequency below the threshold expected for the associated phenotype(s). This variant has been observed in one or more individuals affected with the associated recessive disease, as either homozygous or compound heterozygous with a second variant (PMID: 23942198). Computational prediction algorithms indicate this variant is likely to affect gene or protein function. Given the available evidence, this variant is classified as Pathogenic.

Blueprint Genetics
Classification: Pathogenic for PAH-related disorders. Last evaluated: 2024-08-30. Review status: criteria provided, single submitter. Criteria: ACMG Guidelines, 2015. Collection method: clinical testing. Allele origin: germline. Affected: yes. Observed: 5 variant alleles.

Revvity Omics, Revvity
Classification: Pathogenic for Phenylketonuria. Last evaluated: 2024-08-02. Review status: criteria provided, single submitter. Criteria: ACMG Guidelines, 2015. Collection method: clinical testing. Allele origin: germline.

Mayo Clinic Laboratories, Mayo Clinic
Classification: Pathogenic. Last evaluated: 2024-03-19. Review status: criteria provided, single submitter. Criteria: ACMG Guidelines, 2015. Collection method: clinical testing. Allele origin: germline. Observed: 1 variant allele.
Comment: PP3, PP4, PM3_very_strong

Department of Human Genetics, Hannover Medical School
Classification: Pathogenic for Phenylketonuria. Last evaluated: 2023-11-14. Review status: criteria provided, single submitter. Criteria: ACMG Guidelines, 2015. Collection method: clinical testing. Allele origin: germline. Affected: yes.

3billion
Classification: Pathogenic for Phenylketonuria. Last evaluated: 2022-09-01. Review status: criteria provided, single submitter. Criteria: ACMG Guidelines, 2015. Collection method: clinical testing. Allele origin: germline. Affected: yes. Observed: 1 heterozygote.
Comment: The variant is observed at an extremely low frequency in the gnomAD v2.1.1 dataset (total allele frequency: 0.016%). It is located in a mutational hot spot and/or well-established functional domain in which established pathogenic variants have been reported. In silico tool predictions suggest damaging effect of the variant on gene or gene product (REVEL: 0.85; 3Cnet: 0.97). Same nucleotide change resulting in same amino acid change has been previously reported as pathogenic/likely pathogenic with strong evidence (ClinVar ID: VCV000092734). A different missense change at the same codon (p.Phe55Ser) has been reported as pathogenic/likely pathogenic with strong evidence (ClinVar ID: VCV000120266). Therefore, this variant is classified as Pathogenic according to the recommendation of ACMG/AMP guideline.

Laboratory for Molecular Medicine, Mass General Brigham Personalized Medicine
Classification: Pathogenic for Phenylketonuria. Last evaluated: 2022-08-26. Review status: criteria provided, single submitter. Criteria: ACMG Guidelines, 2015. Collection method: clinical testing. Allele origin: germline.
Comment: The c.165T>G (p.Phe55Leu) variant in PAH has been reported in at least 27 individuals with phenylalanine hydroxylase deficiency/phenylketonuria (PKU)/hyperphenylalaninemia (HPA) (Zhu 2013 PMID: 23932990, Zekanowski PMID: 9298832,Vela-Amieva 2021 PMID: 34828281, Ozturk 2022 PMID: 35405047, Ferreira 2021 PMID: 33465300, Bosco 1998 PMID: 9521426, Bercovich 2008 PMID: 1829995, Aldamiz-Echevarria 2016 PMID: 27121329), and at least 12 of these individuals were compound heterozygous for a second pathogenic PAH variant. It has been identified in 0.002% of AMR chromosomes by gnomAD. This variant has also been reported in ClinVar (Variation ID: 92734). Computational prediction tools suggest that this variant may impact the protein, though this information is not predictive enough to to determine pathogenecity. In vitro functional studies support an impact of p.Arg155His on protein function (Gersting S, et al. 2008 PMID: 18538294). This variant occurs in exon 2 of PAH where numerous pathogenic variants in PAH have been identified, including at the same residue (p.Phe55Ser). In summary, c.165T>G (p.Phe55Leu) meets criteria to be classified as pathogenic for autosomal recessive PKU. ACMG/AMP Criteria applied: PM3_VeryStrong, PM5_Strong, PM2_Supporting, PP3, PS3_Supporting.

Fulgent Genetics
Classification: Likely pathogenic for Phenylketonuria. Last evaluated: 2021-11-19. Review status: criteria provided, single submitter. Criteria: ACMG Guidelines, 2015. Collection method: clinical testing. Allele origin: unknown.

Genome-Nilou Lab
Classification: Likely pathogenic for Phenylketonuria. Last evaluated: 2021-07-22. Review status: criteria provided, single submitter. Criteria: ACMG Guidelines, 2015. Collection method: clinical testing. Allele origin: germline. Affected: no.

Laboratorio de Genetica e Diagnostico Molecular, Hospital Israelita Albert Einstein
Classification: Pathogenic. Last evaluated: 2020-11-13. Review status: criteria provided, single submitter. Criteria: ACMG Guidelines, 2015. Collection method: clinical testing. Allele origin: germline. Affected: yes.
Comment: ACMG classification criteria: PS3, PS4, PM3, PP1, PP3, PP4

Myriad Genetics, Inc.
Classification: Pathogenic for Phenylketonuria. Last evaluated: 2019-12-20. Review status: criteria provided, single submitter. Criteria: Myriad Women's Health Autosomal Recessive and X-Linked Classification Criteria (2019). Collection method: clinical testing. Allele origin: unknown.
Comment: NM_000277.1(PAH):c.165T>G(F55L) is classified as pathogenic in the context of phenylalanine hydroxylase deficiency. Sources cited for classification include the following: PMID 30367646, 27121329, 26655635, 9298832, 18538294, 18299955, 11678552, 23932990, 23430918 and 9521426. Classification of NM_000277.1(PAH):c.165T>G(F55L) is based on the following criteria: This is a well-established pathogenic variant in the literature that has been observed more frequently in patients with clinical diagnoses than in healthy populations. Please note: this variant was assessed in the context of healthy population screening.

Illumina Laboratory Services, Illumina
Classification: Pathogenic for Phenylketonuria. Last evaluated: 2018-10-31. Review status: criteria provided, single submitter. Criteria: ICSL Variant Classification Criteria 09 May 2019. Collection method: clinical testing. Allele origin: germline.
Comment: The PAH c.165T>G (p.Phe55Leu) missense variant has been reported in over nine studies and is found in at least twelve probands in a compound heterozygous state (Zekanowski et al. 1997; Bosco et al. 1998; Guldberg et al. 1998; Zekanowski et al. 2001; Muntau et al. 2002; Aulehla-Scholz et al. 2003; Bercovoch et al. 2008; Sarkissan et al. 2010; Zhu et al. 2013). The p.Phe55Leu variant was absent from 320 controls and is reported at a frequency of 0.00093 in the Latino population of the Genome Aggregation Database. Functional studies by Gertsing et al. (2008) demonstrated that the Phe55 residue is part of the hydrophobic core of the regulatory domain of the protein. The variant showed only a moderate reduction in enzyme activity compared to wild type and was shown to induce misfolding and facilitate unfolding but did not affect the conformational stability of the catalytic domain. Based on the evidence, the p.Phe55Leu variant is classified as pathogenic for phenylalanine hydroxylase deficiency. This variant was observed by ICSL as part of a predisposition screen in an ostensibly healthy population.

NM_000277.3(PAH):c.165T>G (p.Phe55Leu)

Gene: PAH (phenylalanine hydroxylase; minus strand). Cytogenetic location: 12q23.2.
Variant type: single nucleotide variant.
Coding change: c.165T>G on transcript NM_000277.3 (MANE Select); coding-DNA position 165, T replaced by G.
Protein change: p.Phe55Leu; replaces phenylalanine 55 with leucine.
Molecular consequence: missense variant.
Genome position (GRCh38, 1-based): chr12:102,912,794, A>C on the plus strand (T>G on the coding strand, the complement: PAH is on the minus strand). VCF-style: chr12-102912794-A-C. GRCh37 (hg19) VCF-style: chr12-103306572-A-C.
Other names: c.165T>G, p.Phe55Leu (NM_001354304.2); c.165T>G (NM_000277.2); short protein forms F55L.
Identifiers: ClinVar variation 92734 (VCV000092734.62), dbSNP rs199475598, ClinGen allele CA273114.